The following is an entry in ClinVar:

NM_012062.5(DNM1L):c.1835T>C (p.Ile612Thr)

Gene: DNM1L (dynamin 1 like; plus strand). Cytogenetic location: 12p11.21.
Variant type: single nucleotide variant.
Coding change: c.1835T>C on transcript NM_012062.5 (MANE Select); coding-DNA position 1835, T replaced by C.
Protein change: p.Ile612Thr; replaces isoleucine 612 with threonine.
Molecular consequence: missense variant.
Genome position (GRCh38, 1-based): chr12:32,740,191, T>C. VCF-style: chr12-32740191-T-C. GRCh37 (hg19) VCF-style: chr12-32893125-T-C.
Other names: c.1835T>C (NM_012062.3); c.1802T>C, p.Ile601Thr (NM_001278463.2); c.1874T>C, p.Ile625Thr (NM_001278464.2); c.1841T>C, p.Ile614Thr (NM_001278465.2); c.1226T>C, p.Ile409Thr (NM_001278466.2); c.1763T>C, p.Ile588Thr (NM_001330380.2); c.1724T>C, p.Ile575Thr (NM_005690.5); c.1757T>C, p.Ile586Thr (NM_012063.4); short protein forms I614T, I586T, I588T, I409T, I575T, I601T, I612T, I625T.
Identifiers: ClinVar variation 1367087 (VCV001367087.8), dbSNP rs2137589113, ClinGen allele CA384363049.

ClinVar aggregate classification (germline): Uncertain significance. Review status: criteria provided, multiple submitters, no conflicts (2 of 4 stars). 2 submissions from 2 submitters: Uncertain significance (2). Last evaluated 2023-07-31.

Allele frequency attached by ClinVar (database versions not stated): gnomAD exomes below 0.00001.
gnomAD v4.1: 3 of 1,614,166 alleles (0.00019%); highest among the groups gnomAD compares: African/African-American, 0.0013%; no homozygotes.

Submissions (2):

GeneDx
Classification: Uncertain significance. Last evaluated: 2023-07-31. Review status: criteria provided, single submitter. Criteria: GeneDx Variant Classification Process June 2021. Collection method: clinical testing. Allele origin: germline. Affected: yes.
Comment: Has not been previously published as pathogenic or benign to our knowledge; Not observed at significant frequency in large population cohorts (gnomAD); In silico analysis supports that this missense variant does not alter protein structure/function

Labcorp Genetics (formerly Invitae), Labcorp
Classification: Uncertain significance. Last evaluated: 2022-08-31. Review status: criteria provided, single submitter. Criteria: Invitae Variant Classification Sherloc (09022015). Collection method: clinical testing. Allele origin: germline.
Comment: This sequence change replaces isoleucine, which is neutral and non-polar, with threonine, which is neutral and polar, at codon 612 of the DNM1L protein (p.Ile612Thr). This variant is not present in population databases (gnomAD no frequency). In summary, the available evidence is currently insufficient to determine the role of this variant in disease. Therefore, it has been classified as a Variant of Uncertain Significance. Algorithms developed to predict the effect of missense changes on protein structure and function (SIFT, PolyPhen-2, Align-GVGD) all suggest that this variant is likely to be tolerated. ClinVar contains an entry for this variant (Variation ID: 1367087). This variant has not been reported in the literature in individuals affected with DNM1L-related conditions.